The following is an entry in ClinVar:

ClinVar aggregate classification (germline): Conflicting classifications of pathogenicity. Review status: criteria provided, conflicting classifications (1 of 4 stars). 4 submissions from 4 submitters: Uncertain significance (3); Likely benign (1). Last evaluated 2025-06-24.

Conditions:
Inborn genetic diseases. Identifiers: MedGen C0950123, MeSH D030342.
Charcot-Marie-Tooth disease axonal type 2O. Also called: Charcot-Marie-Tooth disease, axonal, type 20; CHARCOT-MARIE-TOOTH NEUROPATHY, AXONAL, TYPE 2O; CHARCOT-MARIE-TOOTH DISEASE, AXONAL, AUTOSOMAL DOMINANT, TYPE 2O; Charcot-Marie-Tooth Neuropathy Type 2O. Identifiers: Orphanet 284232, MedGen C3280220, MONDO:0013644, OMIM 614228.

Allele frequency attached by ClinVar (database versions not stated): gnomAD exomes below 0.00001; gnomAD 0.00001.
gnomAD v4.1: 4 of 1,614,112 alleles (0.00025%); highest among the groups gnomAD compares: African/African-American, 0.0027%; no homozygotes.

Submissions (4):

Ambry Genetics
Classification: Uncertain significance for Inborn genetic diseases. Last evaluated: 2025-06-24. Review status: criteria provided, single submitter. Criteria: Ambry Variant Classification Scheme 2023. Collection method: clinical testing. Allele origin: germline.

Labcorp Genetics (formerly Invitae), Labcorp
Classification: Likely benign for Charcot-Marie-Tooth disease axonal type 2O. Last evaluated: 2024-08-24. Review status: criteria provided, single submitter. Criteria: Invitae Variant Classification Sherloc (09022015). Collection method: clinical testing. Allele origin: germline.

GeneDx
Classification: Uncertain significance. Last evaluated: 2023-06-07. Review status: criteria provided, single submitter. Criteria: GeneDx Variant Classification Process June 2021. Collection method: clinical testing. Allele origin: germline. Affected: yes.
Comment: In silico analysis supports that this missense variant does not alter protein structure/function; Has not been previously published as pathogenic or benign to our knowledge; This variant is associated with the following publications: (PMID: 25512093, 25609763, 26100331)

Genetic Services Laboratory, University of Chicago
Classification: Uncertain significance. Last evaluated: 2016-09-21. Review status: criteria provided, single submitter. Criteria: ACMG Guidelines, 2015. Collection method: clinical testing. Allele origin: germline. Affected: no.

NM_001376.5(DYNC1H1):c.11785G>A (p.Val3929Met)

Gene: DYNC1H1 (dynein cytoplasmic 1 heavy chain 1; plus strand). Cytogenetic location: 14q32.31.
Variant type: single nucleotide variant.
Coding change: c.11785G>A on transcript NM_001376.5 (MANE Select); coding-DNA position 11785, G replaced by A.
Protein change: p.Val3929Met; replaces valine 3929 with methionine.
Molecular consequence: missense variant.
Genome position (GRCh38, 1-based): chr14:102,040,330, G>A. VCF-style: chr14-102040330-G-A. GRCh37 (hg19) VCF-style: chr14-102506667-G-A.
Other names: short protein forms V3929M.
Identifiers: ClinVar variation 434996 (VCV000434996.18), dbSNP rs867293260, ClinGen allele CA266977120.